The following is an entry in ClinVar:

NM_001267550.2(TTN):c.8083A>T (p.Thr2695Ser)

Gene: TTN (titin; minus strand). Cytogenetic location: 2q31.2.
Variant type: single nucleotide variant.
Coding change: c.8083A>T on transcript NM_001267550.2 (MANE Select); coding-DNA position 8083, A replaced by T.
Protein change: p.Thr2695Ser; replaces threonine 2695 with serine.
Molecular consequence: missense variant.
Genome position (GRCh38, 1-based): chr2:178,771,244, T>A on the plus strand (A>T on the coding strand, the complement: TTN is on the minus strand). VCF-style: chr2-178771244-T-A. GRCh37 (hg19) VCF-style: chr2-179635971-T-A.
Other names: c.8083A>T, p.Thr2695Ser (NM_001256850.1, NM_133378.4, NM_133379.5); c.7945A>T, p.Thr2649Ser (NM_003319.4, NM_133432.3, NM_133437.4); short protein forms T2649S, T2695S.
Identifiers: ClinVar variation 1304681 (VCV001304681.27), dbSNP rs780082683, ClinGen allele CA2004685.
Genomic context (GRCh38, chr2:178,771,244, plus strand): 5'-GAAAAGGACAAATCCTATGTTACTTGCCTTCAACTTTGAGTTTGGCAGATGTTTTGGAGG[T>A]GGCCACCTTGTAGGTATATTCTCCAATGTCATCTAATTTGGTGGCAGCAATGATAAGTCT-3'
Protein context (NP_001254479.2, residues 2685-2705): DIGEYTYKVA[Thr2695Ser]SKTSAKLKVE

ClinVar aggregate classification (germline): Uncertain significance. Review status: criteria provided, multiple submitters, no conflicts (2 of 4 stars). 4 submissions from 4 submitters: Uncertain significance (4). Last evaluated 2024-01-01.

Conditions:
Myopathy, myofibrillar, 9, with early respiratory failure (MFM9). Also called: MYOPATHY, PROXIMAL, WITH EARLY RESPIRATORY MUSCLE INVOLVEMENT; Myopathy, distal, with early respiratory failure, autosomal dominant; EDSTROM MYOPATHY; Hereditary myopathy with early respiratory failure. Identifiers: Orphanet 178464, Orphanet 34521, MedGen C1863599, MONDO:0011362, OMIM 603689.
Early-onset myopathy with fatal cardiomyopathy (CMYO5). Also called: CONGENITAL MYOPATHY 5 WITH CARDIOMYOPATHY; Salih Myopathy. Identifiers: Orphanet 289377, MedGen C2673677, MONDO:0012714, OMIM 611705. Disease mechanism: loss of function.
Dilated cardiomyopathy 1G (CMD1G). Identifiers: Orphanet 154, MedGen C1858763, MONDO:0011400, OMIM 604145.
Tibial muscular dystrophy (TMD). Also called: UDD MYOPATHY; Udd Distal Myopathy – Tibial Muscular Dystrophy; Tibial muscular dystrophy, tardive. Identifiers: Orphanet 609, MedGen C1838244, MONDO:0010870, OMIM 600334.
Hypertrophic cardiomyopathy 9. Also called: Familial hypertrophic cardiomyopathy 9. Identifiers: MedGen C1861065, MONDO:0013412, OMIM 613765.
Autosomal recessive limb-girdle muscular dystrophy type 2J (LGMDR10). Also called: MUSCULAR DYSTROPHY, LIMB-GIRDLE, AUTOSOMAL RECESSIVE 10; Limb-girdle muscular dystrophy, type 2J. Identifiers: Orphanet 140922, MedGen C1837342, MONDO:0012127, OMIM 608807.

Allele frequency attached by ClinVar (database versions not stated): gnomAD 0.00001; gnomAD exomes below 0.00001; TOPMed below 0.00001; ExAC 0.00001.
gnomAD v4.1: 22 of 1,614,002 alleles (0.0014%); highest among the groups gnomAD compares: Non-Finnish European, 0.0018%; no homozygotes.

Submissions (4):

CeGaT Center for Human Genetics Tuebingen
Classification: Uncertain significance. Last evaluated: 2024-01-01. Review status: criteria provided, single submitter. Criteria: CeGaT Center For Human Genetics Tuebingen Variant Classification Criteria Version 2. Collection method: clinical testing. Allele origin: germline. Affected: yes. Observed: 1 variant allele.
Comment: TTN: PM2, BP4

Fulgent Genetics
Classification: Uncertain significance for Tibial muscular dystrophy; Myopathy, myofibrillar, 9, with early respiratory failure; Dilated cardiomyopathy 1G; Autosomal recessive limb-girdle muscular dystrophy type 2J; Early-onset myopathy with fatal cardiomyopathy; Hypertrophic cardiomyopathy 9. Last evaluated: 2021-08-12. Review status: criteria provided, single submitter. Criteria: ACMG Guidelines, 2015. Collection method: clinical testing. Allele origin: unknown.

GeneDx
Classification: Uncertain significance. Last evaluated: 2019-09-03. Review status: criteria provided, single submitter. Criteria: GeneDx Variant Classification Process June 2021. Collection method: clinical testing. Allele origin: germline. Affected: yes.
Comment: Not observed at a significant frequency in large population cohorts (Lek et al., 2016); Missense variant in a gene in which most reported pathogenic variants are truncating/loss-of-function; Has not been previously published as pathogenic or benign to our knowledge; In-silico analysis, which includes splice predictors and evolutionary conservation, is inconclusive as to whether the variant alters gene splicing. In the absence of RNA/functional studies, the actual effect of this sequence change is unknown.

Revvity Omics, Revvity
Classification: Uncertain significance. Last evaluated: 2019-02-26. Review status: criteria provided, single submitter. Criteria: ACMG Guidelines, 2015. Collection method: clinical testing. Allele origin: germline.